The following is an entry in ClinVar:

NM_001009944.3(PKD1):c.2985+3A>C

Gene: PKD1 (polycystin 1, transient receptor potential channel interacting; minus strand). Cytogenetic location: 16p13.3.
Variant type: single nucleotide variant.
Coding change: c.2985+3A>C on transcript NM_001009944.3 (MANE Select); 3 bases into the intron after coding-DNA position 2985, A replaced by C.
Molecular consequence: intron variant.
Genome position (GRCh38, 1-based): chr16:2,113,158, T>G on the plus strand (A>C on the coding strand, the complement: PKD1 is on the minus strand). VCF-style: chr16-2113158-T-G. GRCh37 (hg19) VCF-style: chr16-2163159-T-G.
Other names: c.2985+3A>C (NM_000296.4).
Identifiers: ClinVar variation 3382119 (VCV003382119.2).

ClinVar aggregate classification (germline): Uncertain significance (1 of 4 stars; one submission).

Conditions:
Polycystic kidney disease, adult type (PKD1). Also called: POLYCYSTIC KIDNEY DISEASE, ADULT, TYPE I; Polycystic Kidney Disease 1, Autosomal Dominant; Polycystic kidney disease 1; Polycystic kidney disease 1, severe; Polycystic Kidney, Autosomal Dominant; POLYCYSTIC KIDNEY DISEASE 1 WITH OR WITHOUT POLYCYSTIC LIVER DISEASE. Identifiers: MedGen C3149841, MONDO:0008263, OMIM 173900.

Submission:

Juno Genomics, Hangzhou Juno Genomics, Inc
Classification: Uncertain significance for Polycystic kidney disease, adult type. Review status: criteria provided, single submitter. Criteria: ACMG Guidelines, 2015. Collection method: clinical testing. Allele origin: germline. Affected: yes.
Comment: Absent from controls (or at extremely low frequency if recessive) in Genome Aggregation Database, Exome Sequencing Project, 1000 Genomes Project, or Exome Aggregation Consortium.;Multiple lines of computational evidence support a deleterious effect on the gene or gene product (conservation, evolutionary, splicing impact, etc).;Patient's phenotype or family history is highly specific for a disease with a single genetic etiology.